The following is an entry in ClinVar:

ClinVar aggregate classification (germline): Uncertain significance (1 of 4 stars; one submission).

Conditions:
Joubert syndrome 18 (JBTS18). Identifiers: Orphanet 2754, MedGen C3553758, MONDO:0013896, OMIM 614815.
Orofacial-digital syndrome IV (OFD4). Also called: BARAITSER-BURN SYNDROME; MOHR-MAJEWSKI SYNDROME; OFD SYNDROME WITH TIBIAL DEFECTS; OFD SYNDROME, BARAITSER-BURN TYPE; OFDS IV; ORAL-FACIAL-DIGITAL SYNDROME, TYPE IV. Identifiers: Orphanet 2753, MedGen C0406727, MONDO:0009794, OMIM 258860.

Allele frequency attached by ClinVar (database versions not stated): gnomAD exomes 0.00001.

Submission:

Labcorp Genetics (formerly Invitae), Labcorp
Classification: Uncertain significance for Joubert syndrome 18; Orofacial-digital syndrome IV. Last evaluated: 2021-12-03. Review status: criteria provided, single submitter. Criteria: Invitae Variant Classification Sherloc (09022015). Collection method: clinical testing. Allele origin: germline.
Comment: Algorithms developed to predict the effect of missense changes on protein structure and function (SIFT, PolyPhen-2, Align-GVGD) all suggest that this variant is likely to be tolerated. This sequence change replaces alanine, which is neutral and non-polar, with valine, which is neutral and non-polar, at codon 185 of the TCTN3 protein (p.Ala185Val). This variant is not present in population databases (gnomAD no frequency). This variant has not been reported in the literature in individuals affected with TCTN3-related conditions. Algorithms developed to predict the effect of sequence changes on RNA splicing suggest that this variant may create or strengthen a splice site. In summary, the available evidence is currently insufficient to determine the role of this variant in disease. Therefore, it has been classified as a Variant of Uncertain Significance.

NM_015631.6(TCTN3):c.554C>T (p.Ala185Val)

Gene: TCTN3 (tectonic family member 3; minus strand). Cytogenetic location: 10q24.1.
Variant type: single nucleotide variant.
Coding change: c.554C>T on transcript NM_015631.6 (MANE Select); coding-DNA position 554, C replaced by T.
Protein change: p.Ala185Val; replaces alanine 185 with valine.
Molecular consequence: missense variant. On other transcripts: intron variant (1).
Genome position (GRCh38, 1-based): chr10:95,687,665, G>A on the plus strand (C>T on the coding strand, the complement: TCTN3 is on the minus strand). VCF-style: chr10-95687665-G-A. GRCh37 (hg19) VCF-style: chr10-97447422-G-A.
Other names: c.500-506C>T (NM_001143973.2); short protein forms A185V.
Identifiers: ClinVar variation 1386248 (VCV001386248.6), dbSNP rs888815068, ClinGen allele CA211805465.